The following is an entry in ClinVar:

ClinVar aggregate classification (germline): Uncertain significance (1 of 4 stars; one submission).

Conditions:
Hereditary cancer-predisposing syndrome. Also called: Neoplastic Syndromes, Hereditary; Tumor predisposition; Hereditary Cancer Syndrome; Hereditary neoplastic syndrome. Identifiers: Orphanet 140162, MedGen C0027672, MeSH D009386, MONDO:0015356.
Cardiovascular phenotype. Identifiers: MedGen CN230736.

Submission:

Ambry Genetics
Classification: Uncertain significance for Cardiovascular phenotype; Hereditary cancer-predisposing syndrome. Last evaluated: 2021-02-08. Review status: criteria provided, single submitter. Criteria: Ambry Variant Classification Scheme 2023. Collection method: clinical testing. Allele origin: germline.
Comment: The p.S247R variant (also known as c.739A>C), located in coding exon 8 of the LZTR1 gene, results from an A to C substitution at nucleotide position 739. The serine at codon 247 is replaced by arginine, an amino acid with dissimilar properties. This amino acid position is highly conserved in available vertebrate species. In addition, the in silico prediction for this alteration is inconclusive. Since supporting evidence is limited at this time, the clinical significance of this alteration remains unclear.

NM_006767.4(LZTR1):c.739A>C (p.Ser247Arg)

Gene: LZTR1 (leucine zipper like post translational regulator 1; plus strand). Cytogenetic location: 22q11.21.
Variant type: single nucleotide variant.
Coding change: c.739A>C on transcript NM_006767.4 (MANE Select); coding-DNA position 739, A replaced by C.
Protein change: p.Ser247Arg; replaces serine 247 with arginine.
Molecular consequence: missense variant.
Genome position (GRCh38, 1-based): chr22:20,990,473, A>C. VCF-style: chr22-20990473-A-C. GRCh37 (hg19) VCF-style: chr22-21344762-A-C.
Other names: short protein forms S247R.
Identifiers: ClinVar variation 1758690 (VCV001758690.2), dbSNP rs2518615830, ClinGen allele CA410780596.
Genomic context (GRCh38, chr22:20,990,473, plus strand): 5'-TCTTGCTGCAACTTCCCCGTGGCTGTGTGCCGGGACAAGATGTTTGTATTCTCTGGGCAA[A>C]GCGGAGCCAAAATAACCAACAACCTCTTCCAGTTTGAATTCAAGGACAAGACGTGAGTAC-3'
Protein context (NP_006758.2, residues 237-257): RDKMFVFSGQ[Ser247Arg]GAKITNNLFQ